The following is an entry in ClinVar:

ClinVar aggregate classification (germline): Likely benign (1 of 4 stars; one submission).

Allele frequency attached by ClinVar (database versions not stated): gnomAD exomes below 0.00001.
gnomAD v4.1: 1 of 1,614,130 alleles (0.000062%); highest among the groups gnomAD compares: South Asian, 0.0011%; no homozygotes.

Submission:

Women's Health and Genetics/Laboratory Corporation of America, LabCorp
Classification: Likely benign. Last evaluated: 2023-08-09. Review status: criteria provided, single submitter. Criteria: LabCorp Variant Classification Summary - May 2015. Collection method: clinical testing. Allele origin: germline.
Comment: Variant summary: DYSF c.5295G>A alters a conserved nucleotide resulting in a synonymous change. Computational tools predict no significant impact on normal splicing. However, these predictions have yet to be confirmed by functional studies. The variant was absent in 251264 control chromosomes (gnomAD). The available data on variant occurrences in the general population are insufficient to allow any conclusion about variant significance. To our knowledge, no occurrence of c.5295G>A in individuals affected with Limb-Girdle Muscular Dystrophy, Autosomal Recessive and no experimental evidence demonstrating its impact on protein function have been reported. No submitters have cited clinical-significance assessments for this variant to ClinVar after 2014. Based on the evidence outlined above, the variant was classified as likely benign.

NM_001130987.2(DYSF):c.5412G>A (p.Val1804=)

Gene: DYSF (dysferlin; plus strand). Cytogenetic location: 2p13.2.
Variant type: single nucleotide variant.
Coding change: c.5412G>A on transcript NM_001130987.2 (MANE Select); coding-DNA position 5412, G replaced by A.
Protein change: p.Val1804=; no amino-acid change (valine 1804 retained).
Molecular consequence: synonymous variant.
Genome position (GRCh38, 1-based): chr2:71,667,470, G>A. VCF-style: chr2-71667470-G-A. GRCh37 (hg19) VCF-style: chr2-71894600-G-A.
Other names: c.5298G>A, p.Val1766= (NM_001130455.2); c.5253G>A, p.Val1751= (NM_001130976.2); c.5316G>A, p.Val1772= (NM_001130977.2); c.5358G>A, p.Val1786= (NM_001130978.2); c.5388G>A, p.Val1796= (NM_001130979.2); c.5346G>A, p.Val1782= (NM_001130980.2); c.5409G>A, p.Val1803= (NM_001130981.2); c.5391G>A, p.Val1797= (NM_001130982.2); and 5 more.
Identifiers: ClinVar variation 2581606 (VCV002581606.1), dbSNP rs2546561424, ClinGen allele CA426704174.